The following is an entry in ClinVar:

ClinVar aggregate classification (germline): Conflicting classifications of pathogenicity. Review status: criteria provided, conflicting classifications (1 of 4 stars). 3 submissions from 3 submitters: Uncertain significance (2); Likely benign (1). Last evaluated 2025-03-25.

Conditions:
Familial hypobetalipoproteinemia 1. Also called: APOB-Related Familial Hypobetalipoproteinemia; Hypobetalipoproteinemia, normotriglyceridemic; Acanthocytosis with hypobetalipoproteinemia. Identifiers: MedGen C4551990, MONDO:0014252, OMIM 615558.
Hypercholesterolemia, autosomal dominant, type B (FHCL2). Also called: Hyperlipoproteinemia Type IIb; Familial hypercholesterolemia 2; Familial Hypercholesterolemia Type B; APOLIPOPROTEIN B-100, FAMILIAL DEFECTIVE; APOLIPOPROTEIN B-100, FAMILIAL LIGAND-DEFECTIVE; HYPERCHOLESTEROLEMIA, FAMILIAL, DUE TO LIGAND-DEFECTIVE APOLIPOPROTEIN B. Identifiers: MedGen C1704417, MONDO:0007751, OMIM 144010.
Cardiovascular phenotype. Identifiers: MedGen CN230736.

Allele frequency attached by ClinVar (database versions not stated): ExAC 0.00001; gnomAD 0.00003; TOPMed 0.00006.
gnomAD v4.1: 13 of 1,613,124 alleles (0.00081%); highest among the groups gnomAD compares: African/African-American, 0.0053%; no homozygotes.

Submissions (3):

Ambry Genetics
Classification: Uncertain significance for Cardiovascular phenotype. Last evaluated: 2025-03-25. Review status: criteria provided, single submitter. Criteria: Ambry Variant Classification Scheme 2023. Collection method: clinical testing. Allele origin: germline.
Comment: The p.V2394F variant (also known as c.7180G>T), located in coding exon 26 of the APOB gene, results from a G to T substitution at nucleotide position 7180. The valine at codon 2394 is replaced by phenylalanine, an amino acid with highly similar properties. This amino acid position is conserved. In addition, this alteration is predicted to be tolerated by in silico analysis. Since supporting evidence is limited at this time, the clinical significance of this alteration remains unclear.

Quest Diagnostics Nichols Institute San Juan Capistrano
Classification: Uncertain significance. Last evaluated: 2024-06-07. Review status: criteria provided, single submitter. Criteria: Quest Diagnostics criteria. Collection method: clinical testing. Allele origin: unknown.
Comment: The APOB c.7180G>T (p.Val2394Phe) variant has not been reported in individuals with APOB-related conditions in the published literature. The frequency of this variant in the general population, 0.000004 (1/249424 chromosomes (Genome Aggregation Database)), is uninformative in the assessment of its pathogenicity. Analysis of this variant using bioinformatics tools for the prediction of the effect of amino acid changes on protein structure and function yielded predictions that this variant is benign. Based on the available information, we are unable to determine the clinical significance of this variant.

Labcorp Genetics (formerly Invitae), Labcorp
Classification: Likely benign for Familial hypobetalipoproteinemia 1; Hypercholesterolemia, autosomal dominant, type B. Last evaluated: 2024-04-22. Review status: criteria provided, single submitter. Criteria: Invitae Variant Classification Sherloc (09022015). Collection method: clinical testing. Allele origin: germline.

NM_000384.3(APOB):c.7180G>T (p.Val2394Phe)

Gene: APOB (apolipoprotein B; minus strand). Cytogenetic location: 2p24.1.
Variant type: single nucleotide variant.
Coding change: c.7180G>T on transcript NM_000384.3 (MANE Select); coding-DNA position 7180, G replaced by T.
Protein change: p.Val2394Phe; replaces valine 2394 with phenylalanine.
Molecular consequence: missense variant.
Genome position (GRCh38, 1-based): chr2:21,009,688, C>A on the plus strand (G>T on the coding strand, the complement: APOB is on the minus strand). VCF-style: chr2-21009688-C-A. GRCh37 (hg19) VCF-style: chr2-21232560-C-A.
Other names: short protein forms V2394F.
Identifiers: ClinVar variation 1757543 (VCV001757543.8), dbSNP rs775274391, ClinGen allele CA064147.
Genomic context (GRCh38, chr2:21,009,688, plus strand): 5'-CAATGAATGTTTTAAAAGATAATTCATTAAGCTTCTTGACAGCATCATCAATAAATCCAA[C>A]CAATTTCTCAAAGTAATCTTTTATCTTAACTTGTTGTAGGACATTGCTTAGCTTCTGAAT-3'
Protein context (NP_000375.3, residues 2384-2404): VKIKDYFEKL[Val2394Phe]GFIDDAVKKL